The following is an entry in ClinVar:

NM_133497.4(KCNV2):c.1577A>C (p.Lys526Thr)

Gene: KCNV2 (potassium voltage-gated channel modifier subfamily V member 2; plus strand). Cytogenetic location: 9p24.2.
Variant type: single nucleotide variant.
Coding change: c.1577A>C on transcript NM_133497.4 (MANE Select); coding-DNA position 1577, A replaced by C.
Protein change: p.Lys526Thr; replaces lysine 526 with threonine.
Molecular consequence: missense variant.
Genome position (GRCh38, 1-based): chr9:2,729,666, A>C. VCF-style: chr9-2729666-A-C. GRCh37 (hg19) VCF-style: chr9-2729666-A-C.
Other names: c.1577A>C (NM_133497.3); short protein forms K526T.
Identifiers: ClinVar variation 1494629 (VCV001494629.9), dbSNP rs1820033366, ClinGen allele CA372803766.

ClinVar aggregate classification (germline): Uncertain significance. Review status: criteria provided, multiple submitters, no conflicts (2 of 4 stars). 2 submissions from 2 submitters: Uncertain significance (2). Last evaluated 2024-07-30.

Conditions:
Inborn genetic diseases. Identifiers: MedGen C0950123, MeSH D030342.

Allele frequency attached by ClinVar (database versions not stated): gnomAD exomes below 0.00001; gnomAD 0.00001; TOPMed 0.00002.
gnomAD v4.1: 4 of 1,614,060 alleles (0.00025%); highest among the groups gnomAD compares: Non-Finnish European, 0.00017%; no homozygotes.

Submissions (2):

Ambry Genetics
Classification: Uncertain significance for Inborn genetic diseases. Last evaluated: 2024-07-30. Review status: criteria provided, single submitter. Criteria: Ambry Variant Classification Scheme 2023. Collection method: clinical testing. Allele origin: germline.

Labcorp Genetics (formerly Invitae), Labcorp
Classification: Uncertain significance. Last evaluated: 2021-05-29. Review status: criteria provided, single submitter. Criteria: Invitae Variant Classification Sherloc (09022015). Collection method: clinical testing. Allele origin: germline.
Comment: In summary, the available evidence is currently insufficient to determine the role of this variant in disease. Therefore, it has been classified as a Variant of Uncertain Significance. Algorithms developed to predict the effect of missense changes on protein structure and function are either unavailable or do not agree on the potential impact of this missense change (SIFT: "Deleterious"; PolyPhen-2: "Possibly Damaging"; Align-GVGD: "Class C0"). This variant has not been reported in the literature in individuals with KCNV2-related conditions. This variant is not present in population databases (ExAC no frequency). This sequence change replaces lysine with threonine at codon 526 of the KCNV2 protein (p.Lys526Thr). The lysine residue is highly conserved and there is a moderate physicochemical difference between lysine and threonine.